The following is an entry in ClinVar:

NM_032119.4(ADGRV1):c.14150A>G (p.His4717Arg)

Gene: ADGRV1 (adhesion G protein-coupled receptor V1; plus strand). Cytogenetic location: 5q14.3.
Variant type: single nucleotide variant.
Coding change: c.14150A>G on transcript NM_032119.4 (MANE Select); coding-DNA position 14150, A replaced by G.
Protein change: p.His4717Arg; replaces histidine 4717 with arginine.
Molecular consequence: missense variant. On other transcripts: non-coding transcript variant (1).
Genome position (GRCh38, 1-based): chr5:90,790,979, A>G. VCF-style: chr5-90790979-A-G. GRCh37 (hg19) VCF-style: chr5-90086796-A-G.
Other names: c.14150A>G (NM_032119.3); short protein forms H4717R.
Identifiers: ClinVar variation 1926693 (VCV001926693.8), dbSNP rs375485376, ClinGen allele CA3341678.

ClinVar aggregate classification (germline): Conflicting classifications of pathogenicity. Review status: criteria provided, conflicting classifications (1 of 4 stars). 3 submissions from 3 submitters: Uncertain significance (2); Benign (1). Last evaluated 2026-06-28.

Conditions:
Inborn genetic diseases. Identifiers: MedGen C0950123, MeSH D030342.

Allele frequency attached by ClinVar (database versions not stated): ExAC 0.00002; TOPMed 0.00005; ESP Exome Variant Server 0.00017; gnomAD exomes 0.00001; gnomAD 0.00004.
gnomAD v4.1: 9 of 1,613,544 alleles (0.00056%); highest among the groups gnomAD compares: African/African-American, 0.012%; no homozygotes.

Submissions (3):

Ambry Genetics
Classification: Uncertain significance for Inborn genetic diseases. Last evaluated: 2026-06-28. Review status: criteria provided, single submitter. Criteria: Ambry Variant Classification Scheme 2023. Collection method: clinical testing. Allele origin: germline.

Women's Health and Genetics/Laboratory Corporation of America, LabCorp
Classification: Uncertain significance. Last evaluated: 2024-12-17. Review status: criteria provided, single submitter. Criteria: LabCorp Variant Classification Summary - May 2015. Collection method: clinical testing. Allele origin: germline.
Comment: Variant summary: ADGRV1 c.14150A>G (p.His4717Arg) results in a non-conservative amino acid change in the encoded protein sequence. Four of five in-silico tools predict a benign effect of the variant on protein function. The variant allele was found at a frequency of 1.6e-05 in 249116 control chromosomes. The available data on variant occurrences in the general population are insufficient to allow any conclusion about variant significance. To our knowledge, no occurrence of c.14150A>G in individuals affected with ADGRV1-Related Disorders and no experimental evidence demonstrating its impact on protein function have been reported. ClinVar contains an entry for this variant (Variation ID: 1926693). Based on the evidence outlined above, the variant was classified as uncertain significance.

Labcorp Genetics (formerly Invitae), Labcorp
Classification: Benign. Last evaluated: 2023-06-23. Review status: criteria provided, single submitter. Criteria: Invitae Variant Classification Sherloc (09022015). Collection method: clinical testing. Allele origin: germline.